The following is an entry in ClinVar:

NM_014795.4(ZEB2):c.167T>C (p.Leu56Pro)

Gene: ZEB2 (zinc finger E-box binding homeobox 2; minus strand). Cytogenetic location: 2q22.3.
Variant type: single nucleotide variant.
Coding change: c.167T>C on transcript NM_014795.4 (MANE Select); coding-DNA position 167, T replaced by C.
Protein change: p.Leu56Pro; replaces leucine 56 with proline.
Molecular consequence: missense variant.
Genome position (GRCh38, 1-based): chr2:144,429,933, A>G on the plus strand (T>C on the coding strand, the complement: ZEB2 is on the minus strand). VCF-style: chr2-144429933-A-G. GRCh37 (hg19) VCF-style: chr2-145187500-A-G.
Other names: c.167T>C, p.Leu56Pro (NM_001171653.2); short protein forms L56P.
Identifiers: ClinVar variation 1046836 (VCV001046836.34), dbSNP rs61750440, ClinGen allele CA1898593.

ClinVar aggregate classification (germline): Conflicting classifications of pathogenicity. Review status: criteria provided, conflicting classifications (1 of 4 stars). 3 submissions from 3 submitters: Uncertain significance (1); Benign (1); Likely benign (1). Last evaluated 2026-01-19.

Conditions:
Mowat-Wilson syndrome (MOWS). Also called: Classic Mowat-Wilson Syndrome. Identifiers: Orphanet 2152, MedGen C1856113, MONDO:0009341, OMIM 235730.

Allele frequency attached by ClinVar (database versions not stated): ExAC 0.00001; gnomAD exomes 0.00002 and 0.00003; gnomAD 0.00003; TOPMed 0.00004.
gnomAD v4.1: 43 of 1,613,672 alleles (0.0027%); highest among the groups gnomAD compares: Non-Finnish European, 0.0036%; no homozygotes.

Submissions (3):

Labcorp Genetics (formerly Invitae), Labcorp
Classification: Benign for Mowat-Wilson syndrome. Last evaluated: 2026-01-19. Review status: criteria provided, single submitter. Criteria: Invitae Variant Classification Sherloc (09022015). Collection method: clinical testing. Allele origin: germline.

CeGaT Center for Human Genetics Tuebingen
Classification: Uncertain significance. Last evaluated: 2022-03-01. Review status: criteria provided, single submitter. Criteria: CeGaT Center For Human Genetics Tuebingen Variant Classification Criteria Version 2. Collection method: clinical testing. Allele origin: germline. Affected: yes. Observed: 1 variant allele.
Comment: ZEB2: PP2, BP4

GeneDx
Classification: Likely benign. Last evaluated: 2021-06-22. Review status: criteria provided, single submitter. Criteria: GeneDx Variant Classification Process June 2021. Collection method: clinical testing. Allele origin: germline. Affected: yes.
Comment: This variant is associated with the following publications: (PMID: 27535533, 29168297)